The following is an entry in ClinVar:

NM_022167.4(XYLT2):c.1582C>A (p.Pro528Thr)

Gene: XYLT2 (xylosyltransferase 2; plus strand). Cytogenetic location: 17q21.33.
Variant type: single nucleotide variant.
Coding change: c.1582C>A on transcript NM_022167.4 (MANE Select); coding-DNA position 1582, C replaced by A.
Protein change: p.Pro528Thr; replaces proline 528 with threonine.
Molecular consequence: missense variant.
Genome position (GRCh38, 1-based): chr17:50,356,610, C>A. VCF-style: chr17-50356610-C-A. GRCh37 (hg19) VCF-style: chr17-48433971-C-A.
Other names: p.Pro528Thr; short protein forms P528T.
Identifiers: ClinVar variation 3380501 (VCV003380501.1).

ClinVar aggregate classification (germline): Uncertain significance (1 of 4 stars; one submission).

gnomAD v4.1: 30 of 1,614,146 alleles (0.0019%); highest among the groups gnomAD compares: East Asian, 0.0022%; no homozygotes.

Submission:

Mayo Clinic Laboratories, Mayo Clinic
Classification: Uncertain significance. Last evaluated: 2024-08-19. Review status: criteria provided, single submitter. Criteria: ACMG Guidelines, 2015. Collection method: clinical testing. Allele origin: germline. Observed: 1 variant allele.
Comment: BP4, PM2